The following is an entry in ClinVar:

ClinVar aggregate classification (germline): Likely benign. Review status: criteria provided, multiple submitters, no conflicts (2 of 4 stars). 4 submissions from 4 submitters: Likely benign (3). 1 of the submissions does not count toward it. Last evaluated 2025-12-28.

Conditions:
ZMIZ1-related disorder. Also called: ZMIZ1-related condition.
Inborn genetic diseases. Identifiers: MedGen C0950123, MeSH D030342.

Allele frequency attached by ClinVar (database versions not stated): TOPMed 0.00007; gnomAD 0.00013; ExAC 0.00018; gnomAD exomes 0.00018.
gnomAD v4.1: 288 of 1,613,956 alleles (0.018%); highest among the groups gnomAD compares: Non-Finnish European, 0.02%; no homozygotes.

Submissions (4):

Labcorp Genetics (formerly Invitae), Labcorp
Classification: Likely benign. Last evaluated: 2025-12-28. Review status: criteria provided, single submitter. Criteria: Invitae Variant Classification Sherloc (09022015). Collection method: clinical testing. Allele origin: germline.

Ambry Genetics
Classification: Likely benign for Inborn genetic diseases. Last evaluated: 2024-12-13. Review status: criteria provided, single submitter. Criteria: Ambry Variant Classification Scheme 2023. Collection method: clinical testing. Allele origin: germline.

CeGaT Center for Human Genetics Tuebingen
Classification: Likely benign. Last evaluated: 2022-10-01. Review status: criteria provided, single submitter. Criteria: CeGaT Center For Human Genetics Tuebingen Variant Classification Criteria Version 2. Collection method: clinical testing. Allele origin: germline. Affected: yes. Observed: 1 variant allele.
Comment: ZMIZ1: BP4

PreventionGenetics, part of Exact Sciences
Classification: Likely benign for ZMIZ1-related condition. Last evaluated: 2022-12-13. Review status: no assertion criteria provided. Collection method: clinical testing. Allele origin: germline. Not counted in ClinVar's aggregate classification.
Comment: This variant is classified as likely benign based on ACMG/AMP sequence variant interpretation guidelines (Richards et al. 2015 PMID: 25741868, with internal and published modifications).

NM_020338.4(ZMIZ1):c.700A>C (p.Ile234Leu)

Gene: ZMIZ1 (zinc finger MIZ-type containing 1; plus strand). Cytogenetic location: 10q22.3.
Variant type: single nucleotide variant.
Coding change: c.700A>C on transcript NM_020338.4 (MANE Select); coding-DNA position 700, A replaced by C.
Protein change: p.Ile234Leu; replaces isoleucine 234 with leucine.
Molecular consequence: missense variant.
Genome position (GRCh38, 1-based): chr10:79,291,118, A>C. VCF-style: chr10-79291118-A-C. GRCh37 (hg19) VCF-style: chr10-81050875-A-C.
Other names: c.700A>C (NM_020338.3); short protein forms I234L.
Identifiers: ClinVar variation 2165237 (VCV002165237.30), dbSNP rs202178117, ClinGen allele CA5572418.